The following is an entry in ClinVar:

NM_012233.3(RAB3GAP1):c.372A>G (p.Leu124=)

Gene: RAB3GAP1 (RAB3 GTPase activating protein catalytic subunit 1; plus strand). Cytogenetic location: 2q21.3.
Variant type: single nucleotide variant.
Coding change: c.372A>G on transcript NM_012233.3 (MANE Select); coding-DNA position 372, A replaced by G.
Protein change: p.Leu124=; no amino-acid change (leucine 124 retained).
Molecular consequence: synonymous variant.
Genome position (GRCh38, 1-based): chr2:135,113,160, A>G. VCF-style: chr2-135113160-A-G. GRCh37 (hg19) VCF-style: chr2-135870730-A-G.
Other names: c.372A>G, p.Leu124= (NM_001172435.2); c.372A>G (NM_001172435.1).
Identifiers: ClinVar variation 331119 (VCV000331119.6), dbSNP rs886054850, ClinGen allele CA10610747.

ClinVar aggregate classification (germline): Uncertain significance. Review status: criteria provided, multiple submitters, no conflicts (2 of 4 stars). 2 submissions from 2 submitters: Uncertain significance (2). Last evaluated 2023-08-11.

Conditions:
Warburg micro syndrome 1 (WARBM1). Identifiers: Orphanet 2510, MedGen C1838625, MONDO:0010822, OMIM 600118.

Allele frequency attached by ClinVar (database versions not stated): gnomAD exomes below 0.00001; TOPMed below 0.00001.

Submissions (2):

Athena Diagnostics
Classification: Uncertain significance. Last evaluated: 2023-08-11. Review status: criteria provided, single submitter. Criteria: Athena Diagnostics Criteria. Collection method: clinical testing. Allele origin: unknown.
Comment: Available data are insufficient to determine the clinical significance of the variant at this time. This variant has not been reported in large, multi-ethnic general populations. Computational tools yielded predictions that this variant is unlikely to have an effect on normal RNA splicing.

Illumina Laboratory Services, Illumina
Classification: Uncertain significance for Warburg micro syndrome 1. Last evaluated: 2018-01-13. Review status: criteria provided, single submitter. Criteria: ICSL Variant Classification Criteria 13 December 2019. Collection method: clinical testing. Allele origin: germline.